The following is an entry in ClinVar:

NM_020247.5(COQ8A):c.1746C>T (p.Ser582=)

Gene: COQ8A (coenzyme Q8A; plus strand). Cytogenetic location: 1q42.13.
Variant type: single nucleotide variant.
Coding change: c.1746C>T on transcript NM_020247.5 (MANE Select); coding-DNA position 1746, C replaced by T.
Protein change: p.Ser582=; no amino-acid change (serine 582 retained).
Molecular consequence: synonymous variant.
Genome position (GRCh38, 1-based): chr1:226,986,539, C>T. VCF-style: chr1-226986539-C-T. GRCh37 (hg19) VCF-style: chr1-227174240-C-T.
Other names: p.Ser582=.
Identifiers: ClinVar variation 738789 (VCV000738789.9), dbSNP rs750092609, ClinGen allele CA1425648.

ClinVar aggregate classification (germline): Likely benign. Review status: criteria provided, multiple submitters, no conflicts (2 of 4 stars). 2 submissions from 2 submitters: Likely benign (2). Last evaluated 2025-11-02.

Allele frequency attached by ClinVar (database versions not stated): gnomAD 0.00001; ExAC 0.00003; gnomAD exomes 0.00003 and 0.00006.
gnomAD v4.1: 16 of 1,605,302 alleles (0.001%); highest among the groups gnomAD compares: Admixed American, 0.025%; no homozygotes.

Submissions (2):

Mayo Clinic Laboratories, Mayo Clinic
Classification: Likely benign. Last evaluated: 2025-11-02. Review status: criteria provided, single submitter. Criteria: ACMG Guidelines, 2015. Collection method: clinical testing. Allele origin: germline. Observed: 1 variant allele.
Comment: BP4, BP7

Labcorp Genetics (formerly Invitae), Labcorp
Classification: Likely benign. Last evaluated: 2024-06-20. Review status: criteria provided, single submitter. Criteria: Invitae Variant Classification Sherloc (09022015). Collection method: clinical testing. Allele origin: germline.